The following is an entry in ClinVar:

ClinVar aggregate classification (germline): Uncertain significance (1 of 4 stars; one submission).

Conditions:
Inborn genetic diseases. Identifiers: MedGen C0950123, MeSH D030342.

Submission:

Ambry Genetics
Classification: Uncertain significance for Inborn genetic diseases. Last evaluated: 2026-06-27. Review status: criteria provided, single submitter. Criteria: Ambry Variant Classification Scheme 2023. Collection method: clinical testing. Allele origin: germline.
Comment: The p.L1451I variant (also known as c.4351C>A), located in coding exon 13 of the F5 gene, results from a C to A substitution at nucleotide position 4351. The leucine at codon 1451 is replaced by isoleucine, an amino acid with highly similar properties. This amino acid position is conserved. In addition, this alteration is predicted to be tolerated by in silico analysis. Based on the available evidence, the clinical significance of this variant remains unclear.

NM_000130.5(F5):c.4351C>A (p.Leu1451Ile)

Gene: F5 (coagulation factor V; minus strand). Cytogenetic location: 1q24.2.
Variant type: single nucleotide variant.
Coding change: c.4351C>A on transcript NM_000130.5 (MANE Select); coding-DNA position 4351, C replaced by A.
Protein change: p.Leu1451Ile; replaces leucine 1451 with isoleucine.
Molecular consequence: missense variant.
Genome position (GRCh38, 1-based): chr1:169,540,739, G>T on the plus strand (C>A on the coding strand, the complement: F5 is on the minus strand). VCF-style: chr1-169540739-G-T. GRCh37 (hg19) VCF-style: chr1-169509977-G-T.
Other names: short protein forms L1451I.
Identifiers: ClinVar variation 5036275 (VCV005036275.1).